The following is an entry in ClinVar:

NM_017534.6(MYH2):c.2501C>T (p.Pro834Leu)

Genes: MYH2 (myosin heavy chain 2; minus strand), MYHAS (myosin heavy chain gene cluster antisense RNA; plus strand). Cytogenetic location: 17p13.1.
Variant type: single nucleotide variant.
Coding change: c.2501C>T on transcript NM_017534.6 (MANE Select); coding-DNA position 2501, C replaced by T.
Protein change: p.Pro834Leu; replaces proline 834 with leucine.
Molecular consequence: missense variant.
Genome position (GRCh38, 1-based): chr17:10,531,829, G>A on the plus strand (C>T on the coding strand, the complement: MYH2 is on the minus strand). VCF-style: chr17-10531829-G-A. GRCh37 (hg19) VCF-style: chr17-10435146-G-A.
Other names: c.2501C>T, p.Pro834Leu (NM_001100112.2); short protein forms P834L.
Identifiers: ClinVar variation 1045984 (VCV001045984.5), dbSNP rs915946647, ClinGen allele CA287740230.

ClinVar aggregate classification (germline): Uncertain significance (1 of 4 stars; one submission).

Conditions:
Myopathy, proximal, and ophthalmoplegia (CMYO6). Also called: CONGENITAL MYOPATHY 6 WITH OPHTHALMOPLEGIA; MYOPATHY WITH CONGENITAL JOINT CONTRACTURES, OPHTHALMOPLEGIA, AND RIMMED VACUOLES; INCLUSION BODY MYOPATHY 3, AUTOSOMAL DOMINANT. Identifiers: Orphanet 363677, Orphanet 79091, MedGen C1854106, MONDO:0011577, OMIM 605637.

Allele frequency attached by ClinVar (database versions not stated): gnomAD exomes below 0.00001; TOPMed 0.00001.

Submission:

Labcorp Genetics (formerly Invitae), Labcorp
Classification: Uncertain significance for Myopathy, proximal, and ophthalmoplegia. Last evaluated: 2022-07-06. Review status: criteria provided, single submitter. Criteria: Invitae Variant Classification Sherloc (09022015). Collection method: clinical testing. Allele origin: germline.
Comment: In summary, the available evidence is currently insufficient to determine the role of this variant in disease. Therefore, it has been classified as a Variant of Uncertain Significance. Algorithms developed to predict the effect of missense changes on protein structure and function (SIFT, PolyPhen-2, Align-GVGD) all suggest that this variant is likely to be disruptive. ClinVar contains an entry for this variant (Variation ID: 1045984). This variant has not been reported in the literature in individuals affected with MYH2-related conditions. This variant is not present in population databases (gnomAD no frequency). This sequence change replaces proline, which is neutral and non-polar, with leucine, which is neutral and non-polar, at codon 834 of the MYH2 protein (p.Pro834Leu).